The following is an entry in ClinVar:

ClinVar aggregate classification (germline): Pathogenic (1 of 4 stars; one submission).

Conditions:
Oculofaciocardiodental syndrome (MCOPS2). Identifiers: Orphanet 2712, MedGen C1846265, MONDO:0010261, OMIM 300166.

Submission:

Labcorp Genetics (formerly Invitae), Labcorp
Classification: Pathogenic for Oculofaciocardiodental syndrome. Last evaluated: 2022-07-26. Review status: criteria provided, single submitter. Criteria: Invitae Variant Classification Sherloc (09022015). Collection method: clinical testing. Allele origin: germline.
Comment: For these reasons, this variant has been classified as Pathogenic. This variant is a gross deletion of the genomic region encompassing exon(s) 7-10 of the BCOR gene. This deletion is out-of-frame, and is expected to create a premature termination codon and result in an absent or disrupted protein product. Loss-of-function variants in BCOR are known to be pathogenic (PMID: 15004558, 19367324). This variant has not been reported in the literature in individuals affected with BCOR-related conditions.

Literature cited by the submitters: PubMed 15004558; PubMed 19367324.

NC_000023.10:g.(?_39921372)_(39923872_?)del

Gene: BCOR (BCL6 corepressor; minus strand). Cytogenetic location: Xp11.4.
Variant type: Deletion.
Identifiers: ClinVar variation 2426347 (VCV002426347.3).